The following is an entry in ClinVar:

ClinVar aggregate classification (germline): Conflicting classifications of pathogenicity. Review status: criteria provided, conflicting classifications (1 of 4 stars). 3 submissions from 3 submitters: Pathogenic (1); Likely pathogenic (1); Uncertain significance (1). Last evaluated 2025-12-08.

Conditions:
Glutathione synthetase deficiency with 5-oxoprolinuria. Also called: PYROGLUTAMIC ACIDURIA; Reduced glutathione synthetase level; 5-Oxoprolinuria; Gluthathione synthetase deficiency; 5-OXOPROLINURIA DUE TO GLUTATHIONE SYNTHETASE DEFICIENCY. Identifiers: Orphanet 289846, MedGen C0398746, MONDO:0009947, OMIM 266130, HP:0003343.

Allele frequency attached by ClinVar (database versions not stated): ExAC 0.00001; gnomAD 0.00001; gnomAD exomes 0.00001 and 0.00002; TOPMed 0.00002.
gnomAD v4.1: 25 of 1,612,570 alleles (0.0016%); highest among the groups gnomAD compares: Middle Eastern, 0.016%; no homozygotes.

Submissions (3):

Labcorp Genetics (formerly Invitae), Labcorp
Classification: Pathogenic for Glutathione synthetase deficiency with 5-oxoprolinuria. Last evaluated: 2025-12-08. Review status: criteria provided, single submitter. Criteria: Invitae Variant Classification Sherloc (09022015). Collection method: clinical testing. Allele origin: germline.
Comment: This sequence change creates a premature translational stop signal (p.Arg252*) in the GSS gene. It is expected to result in an absent or disrupted protein product. Loss-of-function variants in GSS are known to be pathogenic (PMID: 12638941, 15717202). This variant is present in population databases (rs749741013, gnomAD 0.007%). This variant has not been reported in the literature in individuals affected with GSS-related conditions. ClinVar contains an entry for this variant (Variation ID: 631873). Algorithms developed to predict the effect of sequence changes on RNA splicing suggest that this variant may disrupt the consensus splice site. For these reasons, this variant has been classified as Pathogenic.

GeneDx
Classification: Uncertain significance. Last evaluated: 2023-01-10. Review status: criteria provided, single submitter. Criteria: GeneDx Variant Classification Process June 2021. Collection method: clinical testing. Allele origin: germline. Affected: yes.
Comment: Nonsense variant predicted to result in protein truncation or nonsense mediated decay in a gene for which loss of function is a known mechanism of disease; Has not been previously published as pathogenic or benign to our knowledge

Mayo Clinic Laboratories, Mayo Clinic
Classification: Likely pathogenic. Last evaluated: 2021-02-08. Review status: criteria provided, single submitter. Criteria: ACMG Guidelines, 2015. Collection method: clinical testing. Allele origin: germline. Observed: 1 variant allele.
Comment: PVS1, PM2

Literature cited by the submitters: PubMed 12638941 (cited by Labcorp Genetics (formerly Invitae), Labcorp); PubMed 15717202 (cited by Labcorp Genetics (formerly Invitae), Labcorp).

NM_000178.4(GSS):c.754C>T (p.Arg252Ter)

Gene: GSS (glutathione synthetase; minus strand). Cytogenetic location: 20q11.22.
Variant type: single nucleotide variant.
Coding change: c.754C>T on transcript NM_000178.4 (MANE Select); coding-DNA position 754, C replaced by T.
Protein change: p.Arg252Ter; replaces arginine 252 with a stop codon.
Molecular consequence: nonsense.
Genome position (GRCh38, 1-based): chr20:34,936,776, G>A on the plus strand (C>T on the coding strand, the complement: GSS is on the minus strand). VCF-style: chr20-34936776-G-A. GRCh37 (hg19) VCF-style: chr20-33524579-G-A.
Other names: c.754C>T, p.Arg252Ter (LRG_1168t1, NM_001322494.1, NM_001322495.1); short protein forms R252*.
Identifiers: ClinVar variation 631873 (VCV000631873.13), dbSNP rs749741013, ClinGen allele CA9825979.